The following is an entry in ClinVar:

NM_000141.5(FGFR2):c.943G>T (p.Ala315Ser)

Gene: FGFR2 (fibroblast growth factor receptor 2; minus strand). Cytogenetic location: 10q26.13.
Variant type: single nucleotide variant.
Coding change: c.943G>T on transcript NM_000141.5 (MANE Select); coding-DNA position 943, G replaced by T.
Protein change: p.Ala315Ser; replaces alanine 315 with serine.
Molecular consequence: missense variant. On other transcripts: non-coding transcript variant (1), intron variant (5).
Genome position (GRCh38, 1-based): chr10:121,517,460, C>A on the plus strand (G>T on the coding strand, the complement: FGFR2 is on the minus strand). VCF-style: chr10-121517460-C-A. GRCh37 (hg19) VCF-style: chr10-123276974-C-A.
Other names: c.676G>T, p.Ala226Ser (NM_001144915.2, NM_023029.3); c.598G>T, p.Ala200Ser (NM_001144916.2, NM_001144918.2); c.259G>T, p.Ala87Ser (NM_001320654.2); c.943G>T, p.Ala315Ser (NM_001320658.2); c.749-2141G>T (NM_001144914.1); c.939+2519G>T (NM_001144917.2); c.1087+1222G>T (NM_022970.4, NM_001144913.1); c.820+1222G>T (NM_001144919.2); short protein forms A315S, A226S, A87S, A200S.
Identifiers: ClinVar variation 13289 (VCV000013289.18), dbSNP rs121918504, ClinGen allele CA122992.

ClinVar aggregate classification (germline): Conflicting classifications of pathogenicity. Review status: criteria provided, conflicting classifications (1 of 4 stars). 10 submissions from 10 submitters: Pathogenic (6); Uncertain significance (1). 3 of the submissions do not count toward it. Last evaluated 2026-04-09.

Conditions:
FGFR2-related disorder. Identifiers: MedGen CN380096.
Familial scaphocephaly syndrome, McGillivray type. Also called: SCAPHOCEPHALY, MAXILLARY RETRUSION, AND IMPAIRED INTELLECTUAL DEVELOPMENT. Identifiers: Orphanet 168624, MedGen C1865070, MONDO:0012307, OMIM 609579.
Saethre-Chotzen syndrome (SCS). Also called: CHOTZEN SYNDROME; ACROCEPHALY, SKULL ASYMMETRY, AND MILD SYNDACTYLY; ACS III. Identifiers: Orphanet 794, MedGen C0175699, MONDO:0007042, OMIM 101400.
Jackson-Weiss syndrome (JWS). Also called: CRANIOSYNOSTOSIS, MIDFACIAL HYPOPLASIA, AND FOOT ABNORMALITIES. Identifiers: Orphanet 1540, MedGen C0795998, MONDO:0007400, OMIM 123150. Disease mechanism: loss of function.
Antley-Bixler syndrome without genital anomalies or disordered steroidogenesis (ABS2). Also called: Trapezoidocephaly synostosis syndrome; Osteodysgenesis, multisynostotic with fractures; Antley-Bixler Syndrome, Autosomal Dominant; MULTISYNOSTOTIC OSTEODYSGENESIS WITH LONG BONE FRACTURES. Identifiers: Orphanet 596008, Orphanet 83, MedGen C2936791, MONDO:0020667, OMIM 207410.
Bent bone dysplasia syndrome 1 (BBDS1). Also called: FGFR2-related bent bone dysplasia. Identifiers: Orphanet 313855, MedGen C3281247, MONDO:0013815, OMIM 614592.
Levy-Hollister syndrome (LADD). Also called: LADD syndrome. Identifiers: Orphanet 2363, MedGen C0265269, MONDO:0007872.
Beare-Stevenson cutis gyrata syndrome (BSTVS). Identifiers: Orphanet 1555, MedGen C1852406, MONDO:0007412, OMIM 123790.
Acrocephalosyndactyly type I (ACS1). Also called: Acrocephalo-syndactyly type 1; ACS 1; Syndactylic oxycephaly; Apert syndrome. Identifiers: Orphanet 87, MedGen C0001193, MONDO:0007041, OMIM 101200.
Gastric cancer. Also called: Malignant tumor of stomach; Stomach cancer. Identifiers: MedGen C0024623, MeSH D013274, MONDO:0001056, OMIM 613659, HP:0012126.
Crouzon syndrome. Also called: Craniofacial dysostosis type 1; Crouzon craniofacial dysostosis; Crouzon disease; CRANIOFACIAL DYSOSTOSIS, TYPE I; Craniofacial dysostosis. Identifiers: Orphanet 207, MedGen C0010273, MeSH D003394, MONDO:0007405, OMIM 123500, HP:0004439.
Pfeiffer syndrome (ACS5). Also called: ACS V. Identifiers: Orphanet 710, MedGen C0220658, MONDO:0007043, OMIM 101600.
Inborn genetic diseases. Identifiers: MedGen C0950123, MeSH D030342.
CRANIOSYNOSTOSIS, NONSYNDROMIC UNICORONAL. Identifiers: MedGen C4016346.
FGFR2-related craniosynostosis. Identifiers: MedGen CN231480.

gnomAD v4.1: 10 of 1,614,090 alleles (0.00062%); highest among the groups gnomAD compares: South Asian, 0.0011%; no homozygotes.

Submissions (10):

Ambry Genetics
Classification: Uncertain significance for Inborn genetic diseases. Last evaluated: 2026-04-09. Review status: criteria provided, single submitter. Criteria: Ambry Variant Classification Scheme 2023. Collection method: clinical testing. Allele origin: germline.
Comment: The c.943G>T (p.A315S) alteration is located in exon 8 (coding exon 7) of the FGFR2 gene. This alteration results from a G to T substitution at nucleotide position 943, causing the alanine (A) at amino acid position 315 to be replaced by a serine (S). This variant was not reported in population-based cohorts in the Genome Aggregation Database (gnomAD). This variant was identified in one or more individuals with features consistent with FGFR2-related craniosynostosis disorders (Johnson, 2000; Roscioli, 2013; Graul-Neumann, 2017) and segregated with disease in at least one family (Johnson, 2000; Graul-Neumann, 2017). This amino acid position is highly conserved in available vertebrate species. The in silico prediction for this alteration is inconclusive. Based on insufficient or conflicting evidence, the clinical significance of this alteration remains unclear.

Labcorp Genetics (formerly Invitae), Labcorp
Classification: Pathogenic for FGFR2-related craniosynostosis. Last evaluated: 2026-01-18. Review status: criteria provided, single submitter. Criteria: Invitae Variant Classification Sherloc (09022015). Collection method: clinical testing. Allele origin: germline.
Comment: This sequence change replaces alanine, which is neutral and non-polar, with serine, which is neutral and polar, at codon 315 of the FGFR2 protein (p.Ala315Ser). This variant is not present in population databases (gnomAD no frequency). This missense change has been observed in individual(s) with FGFR2-related conditions (PMID: 10951518, 12357470, 24127277, 28611549). It has also been observed to segregate with disease in related individuals. ClinVar contains an entry for this variant (Variation ID: 13289). Invitae Evidence Modeling of protein sequence and biophysical properties (such as structural, functional, and spatial information, amino acid conservation, physicochemical variation, residue mobility, and thermodynamic stability) indicates that this missense variant is not expected to disrupt FGFR2 protein function with a negative predictive value of 80%. For these reasons, this variant has been classified as Pathogenic.

3billion
Classification: Pathogenic for FGFR2-related disorder. Last evaluated: 2025-12-19. Review status: criteria provided, single submitter. Criteria: ACMG Guidelines, 2015. Collection method: clinical testing. Allele origin: germline. Affected: yes.
Comment: The variant is observed at an extremely low frequency in the gnomAD v4.1.0 dataset (total allele frequency: <0.001%). Predicted Consequence/Location: Missense variant. Missense changes are a common disease-causing mechanism. In silico tool predictions suggest damaging effect of the variant on gene or gene product [REVEL: 0.21 (>=0.6, sensitivity 0.68 and specificity 0.92); 3Cnet: 0.98 (> 0.75, sensitivity 0.96 and precision 0.92)]. The same nucleotide change resulting in the same amino acid change has been previously reported as pathogenic/likely pathogenic with strong evidence (ClinVar ID: VCV000013289). The variant has been observed in at least two similarly affected unrelated individuals (PMID: 10951518, 24127277, 28611549). The variant has been reported to co-segregate with the disease in at least 5 similarly affected relatives/individuals in the same family or similarly affected unrelated families (PMID: 28611549). A different missense change at the same codon (p.Ala315Thr) has been reported to be associated with FGFR2-related disorder (PMID: 28600779). Therefore, this variant is classified as Pathogenic according to the recommendation of ACMG/AMP guideline.

Blueprint Genetics
Classification: Pathogenic for FGFR2-related disorders. Last evaluated: 2022-07-07. Review status: criteria provided, single submitter. Criteria: ACMG Guidelines, 2015. Collection method: clinical testing. Allele origin: germline. Affected: yes. Observed: 3 variant alleles.

Fulgent Genetics
Classification: Pathogenic for Acrocephalosyndactyly type I; Saethre-Chotzen syndrome; Pfeiffer syndrome; Jackson-Weiss syndrome; Crouzon syndrome; Beare-Stevenson cutis gyrata syndrome; LADD syndrome 1; Antley-Bixler syndrome without genital anomalies or disordered steroidogenesis; Familial scaphocephaly syndrome, McGillivray type; Gastric cancer; Bent bone dysplasia syndrome 1. Last evaluated: 2022-01-18. Review status: criteria provided, single submitter. Criteria: ACMG Guidelines, 2015. Collection method: clinical testing. Allele origin: unknown.

Greenwood Genetic Center Diagnostic Laboratories, Greenwood Genetic Center
Classification: Pathogenic. Last evaluated: 2020-09-15. Review status: criteria provided, single submitter. Criteria: ACMG Guidelines, 2015. Collection method: clinical testing. Allele origin: germline. Affected: yes.

Institute for Genomic Statistics and Bioinformatics, University Hospital Bonn
Classification: Pathogenic for Crouzon syndrome. Review status: criteria provided, single submitter. Criteria: ACMG Guidelines, 2015. Collection method: clinical testing. Allele origin: unknown. Affected: yes. Observed: 1 variant allele.

OMIM
Classification: Pathogenic for CRANIOSYNOSTOSIS, NONSYNDROMIC UNICORONAL. Last evaluated: 2000-08-01. Review status: no assertion criteria provided. Collection method: literature only. Allele origin: germline. Not counted in ClinVar's aggregate classification.

Clinical Genetics DNA and cytogenetics Diagnostics Lab, Erasmus MC, Erasmus Medical Center
Classification: Pathogenic. Review status: no assertion criteria provided. Collection method: clinical testing. Allele origin: germline. Affected: yes. Study: VKGL Data-share Consensus. Not counted in ClinVar's aggregate classification.

Joint Genome Diagnostic Labs from Nijmegen and Maastricht, Radboudumc and MUMC+
Classification: Pathogenic. Review status: no assertion criteria provided. Collection method: clinical testing. Allele origin: germline. Affected: yes. Study: VKGL Data-share Consensus. Not counted in ClinVar's aggregate classification.

Literature cited by the submitters: PubMed 10951518 (cited by 4 submitters); PubMed 11781872 (cited by Ambry Genetics); PubMed 15840724 (cited by Ambry Genetics); PubMed 24127277 (cited by 3 submitters); PubMed 28611549 (cited by 3 submitters); PubMed 12357470 (cited by Labcorp Genetics (formerly Invitae), Labcorp); PubMed 28600779 (cited by 3billion).